The following is an entry in ClinVar:

ClinVar aggregate classification (germline): Uncertain significance (1 of 4 stars; one submission).

Conditions:
Cardiovascular phenotype. Identifiers: MedGen CN230736.

Submission:

Ambry Genetics
Classification: Uncertain significance for Cardiovascular phenotype. Last evaluated: 2021-12-08. Review status: criteria provided, single submitter. Criteria: Ambry Variant Classification Scheme 2023. Collection method: clinical testing. Allele origin: germline.
Comment: The p.E559A variant (also known as c.1676A>C), located in coding exon 4 of the JPH2 gene, results from an A to C substitution at nucleotide position 1676. The glutamic acid at codon 559 is replaced by alanine, an amino acid with dissimilar properties. This amino acid position is conserved. In addition, this alteration is predicted to be tolerated by in silico analysis. Since supporting evidence is limited at this time, the clinical significance of this alteration remains unclear.

NM_020433.5(JPH2):c.1676A>C (p.Glu559Ala)

Gene: JPH2 (junctophilin 2; minus strand). Cytogenetic location: 20q13.12.
Variant type: single nucleotide variant.
Coding change: c.1676A>C on transcript NM_020433.5 (MANE Select); coding-DNA position 1676, A replaced by C.
Protein change: p.Glu559Ala; replaces glutamic acid 559 with alanine.
Molecular consequence: missense variant.
Genome position (GRCh38, 1-based): chr20:44,115,999, T>G on the plus strand (A>C on the coding strand, the complement: JPH2 is on the minus strand). VCF-style: chr20-44115999-T-G. GRCh37 (hg19) VCF-style: chr20-42744639-T-G.
Other names: short protein forms E559A.
Identifiers: ClinVar variation 1777790 (VCV001777790.2), dbSNP rs2515718043, ClinGen allele CA409100157.